The following is an entry in ClinVar:

ClinVar aggregate classification (germline): Pathogenic (1 of 4 stars; one submission).

Conditions:
Retinitis pigmentosa 73 (RP73). Identifiers: Orphanet 791, MedGen C4225287, MONDO:0014687, OMIM 616544.
Mucopolysaccharidosis, MPS-III-C (MPS3C). Also called: SANFILIPPO SYNDROME C; MPS III C; mucopolysaccharidosis type 3C; MPS IIIC (Sanfilippo Syndrome Type C); MUCOPOLYSACCHARIDOSIS, TYPE IIIC; Mucopolysaccharidosis type IIIC (Sanfilippo C). Identifiers: Orphanet 581, Orphanet 79271, MedGen C0086649, MONDO:0009657, OMIM 252930.

Submission:

Labcorp Genetics (formerly Invitae), Labcorp
Classification: Pathogenic for Retinitis pigmentosa 73; Mucopolysaccharidosis, MPS-III-C. Last evaluated: 2023-05-30. Review status: criteria provided, single submitter. Criteria: Invitae Variant Classification Sherloc (09022015). Collection method: clinical testing. Allele origin: unknown.
Comment: For these reasons, this variant has been classified as Pathogenic. This variant has not been reported in the literature in individuals affected with HGSNAT-related conditions. This variant is a gross deletion of the genomic region encompassing exon(s) 3-4 of the HGSNAT gene. This deletion is out-of-frame, and is expected to create a premature termination codon and result in an absent or disrupted protein product. Loss-of-function variants in HGSNAT are known to be pathogenic (PMID: 17033958, 19479962).

Literature cited by the submitters: PubMed 17033958; PubMed 19479962.

NC_000008.10:g.(?_43013698)_(43014207_?)del

Gene: HGSNAT (heparan-alpha-glucosaminide N-acetyltransferase; plus strand). Cytogenetic location: 8p11.21.
Variant type: Deletion.
Identifiers: ClinVar variation 3245539 (VCV003245539.1).